The following is an entry in ClinVar:

NM_017999.5(RNF31):c.1170T>C (p.Asp390=)

Gene: RNF31 (ring finger protein 31; plus strand). Cytogenetic location: 14q12.
Variant type: single nucleotide variant.
Coding change: c.1170T>C on transcript NM_017999.5 (MANE Select); coding-DNA position 1170, T replaced by C.
Protein change: p.Asp390=; no amino-acid change (aspartic acid 390 retained).
Molecular consequence: synonymous variant.
Genome position (GRCh38, 1-based): chr14:24,150,421, T>C. VCF-style: chr14-24150421-T-C. GRCh37 (hg19) VCF-style: chr14-24619630-T-C.
Other names: p.Asp390=; c.717T>C, p.Asp239= (NM_001310332.2).
Identifiers: ClinVar variation 1164358 (VCV001164358.11), dbSNP rs73604911, ClinGen allele CA7125703.

ClinVar aggregate classification (germline): Benign. Review status: criteria provided, multiple submitters, no conflicts (2 of 4 stars). 3 submissions from 3 submitters: Benign (3). Last evaluated 2026-01-31.

Allele frequency attached by ClinVar (database versions not stated): gnomAD exomes 0.00104 and 0.00281; ExAC 0.00340; gnomAD 0.01041 and 0.01101; ESP Exome Variant Server 0.01080; TOPMed 0.01142; 1000 Genomes Project 30x 0.01280; 1000 Genomes Project 0.01298.
gnomAD v4.1: 3,181 of 1,611,760 alleles (0.2%); highest among the groups gnomAD compares: African/African-American, 3.7%; 61 homozygotes.

Submissions (3):

Labcorp Genetics (formerly Invitae), Labcorp
Classification: Benign. Last evaluated: 2026-01-31. Review status: criteria provided, single submitter. Criteria: Invitae Variant Classification Sherloc (09022015). Collection method: clinical testing. Allele origin: germline.

Mayo Clinic Laboratories, Mayo Clinic
Classification: Benign. Last evaluated: 2024-09-20. Review status: criteria provided, single submitter. Criteria: ACMG Guidelines, 2015. Collection method: clinical testing. Allele origin: germline. Observed: 5 variant alleles.
Comment: BS1, BS2, BP4, BP7

Breakthrough Genomics
Classification: Benign. Review status: criteria provided, single submitter. Criteria: ACMG Guidelines, 2015. Collection method: not provided. Allele origin: germline. Inheritance: Unknown mechanism. Affected: yes.